The following is an entry in ClinVar:

ClinVar aggregate classification (germline): Uncertain significance. Review status: criteria provided, multiple submitters, no conflicts (2 of 4 stars). 2 submissions from 2 submitters: Uncertain significance (2). Last evaluated 2024-03-26.

Conditions:
Fanconi anemia (FA). Also called: Fanconi's anemia. Identifiers: Orphanet 84, MedGen C0015625, MeSH D005199, MONDO:0019391.
Fanconi anemia complementation group L (FANCL). Also called: FANCL-Related Fanconi Anemia. Identifiers: Orphanet 84, MedGen C3469528, MONDO:0013566, OMIM 614083.

Allele frequency attached by ClinVar (database versions not stated): gnomAD exomes below 0.00001; gnomAD 0.00001.
gnomAD v4.1: 5 of 1,610,726 alleles (0.00031%); highest among the groups gnomAD compares: African/African-American, 0.0053%; no homozygotes.

Submissions (2):

Fulgent Genetics
Classification: Uncertain significance for Fanconi anemia complementation group L. Last evaluated: 2024-03-26. Review status: criteria provided, single submitter. Criteria: ACMG Guidelines, 2015. Collection method: clinical testing. Allele origin: germline.

Labcorp Genetics (formerly Invitae), Labcorp
Classification: Uncertain significance for Fanconi anemia. Last evaluated: 2022-08-12. Review status: criteria provided, single submitter. Criteria: Invitae Variant Classification Sherloc (09022015). Collection method: clinical testing. Allele origin: germline.
Comment: In summary, the available evidence is currently insufficient to determine the role of this variant in disease. Therefore, it has been classified as a Variant of Uncertain Significance. The frequency data for this variant in the population databases is considered unreliable, as metrics indicate poor data quality at this position in the gnomAD database. This variant has not been reported in the literature in individuals affected with FANCL-related conditions. ClinVar contains an entry for this variant (Variation ID: 1518965). Algorithms developed to predict the effect of missense changes on protein structure and function are either unavailable or do not agree on the potential impact of this missense change (SIFT: "Tolerated"; PolyPhen-2: "Possibly Damaging"; Align-GVGD: "Class C0"). This sequence change replaces leucine, which is neutral and non-polar, with phenylalanine, which is neutral and non-polar, at codon 248 of the FANCL protein (p.Leu248Phe).

NM_018062.4(FANCL):c.742C>T (p.Leu248Phe)

Gene: FANCL (FA complementation group L; minus strand). Cytogenetic location: 2p16.1.
Variant type: single nucleotide variant.
Coding change: c.742C>T on transcript NM_018062.4 (MANE Select); coding-DNA position 742, C replaced by T.
Protein change: p.Leu248Phe; replaces leucine 248 with phenylalanine.
Molecular consequence: missense variant.
Genome position (GRCh38, 1-based): chr2:58,163,467, G>A on the plus strand (C>T on the coding strand, the complement: FANCL is on the minus strand). VCF-style: chr2-58163467-G-A. GRCh37 (hg19) VCF-style: chr2-58390602-G-A.
Other names: c.757C>T, p.Leu253Phe (NM_001114636.2); c.787C>T, p.Leu263Phe (NM_001374615.1); c.802C>T, p.Leu268Phe (NM_001410792.1); short protein forms L253F, L248F, L263F, L268F.
Identifiers: ClinVar variation 1518965 (VCV001518965.9), dbSNP rs1202806362, ClinGen allele CA346935940.